The following is an entry in ClinVar:

NM_003105.6(SORL1):c.690+3A>G

Gene: SORL1 (sortilin related receptor 1; plus strand). Cytogenetic location: 11q24.1.
Variant type: single nucleotide variant.
Coding change: c.690+3A>G on transcript NM_003105.6 (MANE Select); 3 bases into the intron after coding-DNA position 690, A replaced by G.
Molecular consequence: intron variant.
Genome position (GRCh38, 1-based): chr11:121,488,196, A>G. VCF-style: chr11-121488196-A-G. GRCh37 (hg19) VCF-style: chr11-121358905-A-G.
Identifiers: ClinVar variation 4766870 (VCV004766870.1).

ClinVar aggregate classification (germline): Uncertain significance (1 of 4 stars; one submission).

gnomAD v4.1: 2 of 1,613,312 alleles (0.00012%); highest among the groups gnomAD compares: Non-Finnish European, 0.00017%; no homozygotes.

Submission:

Labcorp Genetics (formerly Invitae), Labcorp
Classification: Uncertain significance. Last evaluated: 2025-06-29. Review status: criteria provided, single submitter. Criteria: Invitae Variant Classification Sherloc (09022015). Collection method: clinical testing. Allele origin: germline.
Comment: This sequence change falls in intron 4 of the SORL1 gene. It does not directly change the encoded amino acid sequence of the SORL1 protein. It affects a nucleotide within the consensus splice site. This variant is not present in population databases (gnomAD no frequency). This variant has been observed in individual(s) with clinical features of SORL1-related conditions (internal data). Variants that disrupt the consensus splice site are a relatively common cause of aberrant splicing (PMID: 17576681, 9536098). Algorithms developed to predict the effect of sequence changes on RNA splicing suggest that this variant may create or strengthen a splice site. In summary, the available evidence is currently insufficient to determine the role of this variant in disease. Therefore, it has been classified as a Variant of Uncertain Significance.

Literature cited by the submitters: PubMed 17576681; PubMed 9536098.